The following is an entry in ClinVar:

NM_001220.5(CAMK2B):c.1589C>G (p.Pro530Arg)

Gene: CAMK2B (calcium/calmodulin dependent protein kinase II beta; minus strand). Cytogenetic location: 7p13.
Variant type: single nucleotide variant.
Coding change: c.1589C>G on transcript NM_001220.5 (MANE Select); coding-DNA position 1589, C replaced by G.
Protein change: p.Pro530Arg; replaces proline 530 with arginine.
Molecular consequence: missense variant. On other transcripts: intron variant (8).
Genome position (GRCh38, 1-based): chr7:44,226,524, G>C on the plus strand (C>G on the coding strand, the complement: CAMK2B is on the minus strand). VCF-style: chr7-44226524-G-C. GRCh37 (hg19) VCF-style: chr7-44266123-G-C.
Other names: c.947-5623C>G (NM_172084.3); c.1150+4482C>G (NM_172080.3); c.1036+4482C>G (NM_172083.3); c.1108+4482C>G (NM_172081.3); c.1153+4482C>G (NM_172079.3, NM_172082.3); c.1225+4482C>G (NM_001293170.2, NM_172078.3); short protein forms P530R.
Identifiers: ClinVar variation 4072677 (VCV004072677.2).

ClinVar aggregate classification (germline): Uncertain significance (1 of 4 stars; one submission).

Submission:

GeneDx
Classification: Uncertain significance. Last evaluated: 2026-09-11. Review status: criteria provided, single submitter. Criteria: GeneDx Variant Classification Process June 2021. Collection method: clinical testing. Allele origin: germline.
Comment: Not observed at significant frequency in large population cohorts (gnomAD); In silico analysis suggests that this missense variant does not alter protein structure/function; Has not been previously published as pathogenic or benign to our knowledge